The following is an entry in ClinVar:

NM_015935.5(METTL13):c.1785A>G (p.Gln595=)

Genes: METTL13 (methyltransferase 13, eEF1A N-terminus and K55; plus strand), LOC126805917 (P300/CBP strongly-dependent group 1 enhancer GRCh37_chr1:171762946-171764145; plus strand). Cytogenetic location: 1q24.3.
Variant type: single nucleotide variant.
Coding change: c.1785A>G on transcript NM_015935.5 (MANE Select); coding-DNA position 1785, A replaced by G.
Protein change: p.Gln595=; no amino-acid change (glutamine 595 retained).
Molecular consequence: synonymous variant.
Genome position (GRCh38, 1-based): chr1:171,794,487, A>G. VCF-style: chr1-171794487-A-G. GRCh37 (hg19) VCF-style: chr1-171763627-A-G.
Other names: c.1317A>G, p.Gln439= (NM_001007239.2); c.1527A>G, p.Gln509= (NM_014955.3).
Identifiers: ClinVar variation 3042670 (VCV003042670.2), dbSNP rs61733150, ClinGen allele CA1244973.
Genomic context (GRCh38, chr1:171,794,487, plus strand): 5'-TGTTGACAGTAAGGACCCAACACTGGGAATGAGTTGTCCGCCCCCAGCATTTGTGGAGCA[A>G]TCTTTTCTACAGAAGGTTAAAAGCATCTTGACTCCTGAAGGTATGGAGAACAAAAGGTGG-3'
Protein context (NP_057019.3, residues 585-605): MSCPPPAFVE[Gln595=]SFLQKVKSIL

ClinVar aggregate classification (germline): Benign (0 of 4 stars; one submission).

Conditions:
METTL13-related disorder. Also called: METTL13-related condition.

Allele frequency attached by ClinVar (database versions not stated): gnomAD exomes 0.00025; ExAC 0.00098; ESP Exome Variant Server 0.00246; gnomAD 0.00277; TOPMed 0.00318; 1000 Genomes Project 0.00459; 1000 Genomes Project 30x 0.00484.
gnomAD v4.1: 818 of 1,614,222 alleles (0.051%); highest among the groups gnomAD compares: African/African-American, 0.94%; 4 homozygotes.

Submission:

PreventionGenetics, part of Exact Sciences
Classification: Benign for METTL13-related condition. Last evaluated: 2019-10-22. Review status: no assertion criteria provided. Collection method: clinical testing. Allele origin: germline.
Comment: This variant is classified as benign based on ACMG/AMP sequence variant interpretation guidelines (Richards et al. 2015 PMID: 25741868, with internal and published modifications).